The following is an entry in ClinVar:

ClinVar aggregate classification (germline): Pathogenic (1 of 4 stars; one submission).

Conditions:
Hypertrophic cardiomyopathy 4. Also called: Familial hypertrophic cardiomyopathy 4. Identifiers: MedGen C1861862, MONDO:0007268, OMIM 115197.

Submission:

3billion
Classification: Pathogenic for Hypertrophic cardiomyopathy 4. Last evaluated: 2026-01-13. Review status: criteria provided, single submitter. Criteria: ACMG Guidelines, 2015. Collection method: clinical testing. Allele origin: germline. Affected: yes.
Comment: The variant is not observed in the gnomAD v4.1.0 dataset. Predicted Consequence/Location: Canonical splice site: predicted to alter splicing and result in a loss or disruption of normal protein function. Multiple pathogenic loss-of-function variants are reported downstream of the variant. The variant has been reported to be associated with MYBPC3-related disorder (3billion dataset). Therefore, this variant is classified as Pathogenic according to the recommendation of ACMG/AMP guideline.

NM_000256.3(MYBPC3):c.1224-1G>C

Gene: MYBPC3 (myosin binding protein C3; minus strand). Cytogenetic location: 11p11.2.
Variant type: single nucleotide variant.
Coding change: c.1224-1G>C on transcript NM_000256.3 (MANE Select); the canonical splice acceptor site of the intron before coding-DNA position 1224, G replaced by C.
Molecular consequence: splice acceptor variant.
Genome position (GRCh38, 1-based): chr11:47,343,263, C>G on the plus strand (G>C on the coding strand, the complement: MYBPC3 is on the minus strand). VCF-style: chr11-47343263-C-G. GRCh37 (hg19) VCF-style: chr11-47364814-C-G.
Identifiers: ClinVar variation 4854359 (VCV004854359.1).
Genomic context (GRCh38, chr11:47,343,263, plus strand): 5'-TGCGCCCCATGATAATCCCTGTGCCCCCCACCCCAAGCCATCCAGAGGGGAACTTACTTG[C>G]TGTAGAACAGAAGGGGCCGTTGAAGTGTTCCCGACGGGAGGAAGTGAGCCCGAGACAAAA-3'